The following is an entry in ClinVar:

NM_005901.6(SMAD2):c.572C>T (p.Pro191Leu)

Gene: SMAD2 (SMAD family member 2; minus strand). Cytogenetic location: 18q21.1.
Variant type: single nucleotide variant.
Coding change: c.572C>T on transcript NM_005901.6 (MANE Select); coding-DNA position 572, C replaced by T.
Protein change: p.Pro191Leu; replaces proline 191 with leucine.
Molecular consequence: missense variant.
Genome position (GRCh38, 1-based): chr18:47,868,406, G>A on the plus strand (C>T on the coding strand, the complement: SMAD2 is on the minus strand). VCF-style: chr18-47868406-G-A. GRCh37 (hg19) VCF-style: chr18-45394777-G-A.
Other names: c.572C>T (NM_001003652.2); c.572C>T, p.Pro191Leu (NM_001003652.4); c.482C>T, p.Pro161Leu (NM_001135937.3); short protein forms P161L, P191L.
Identifiers: ClinVar variation 1701341 (VCV001701341.37), dbSNP rs1293658510, ClinGen allele CA402501685.

ClinVar aggregate classification (germline): Uncertain significance. Review status: criteria provided, multiple submitters, no conflicts (2 of 4 stars). 3 submissions from 3 submitters: Uncertain significance (3). Last evaluated 2025-08-30.

Conditions:
Inborn genetic diseases. Identifiers: MedGen C0950123, MeSH D030342.

Allele frequency attached by ClinVar (database versions not stated): gnomAD exomes below 0.00001; gnomAD 0.00001; TOPMed 0.00002.
gnomAD v4.1: 4 of 1,610,364 alleles (0.00025%); highest among the groups gnomAD compares: African/African-American, 0.0027%; no homozygotes.

Submissions (3):

Labcorp Genetics (formerly Invitae), Labcorp
Classification: Uncertain significance. Last evaluated: 2025-08-30. Review status: criteria provided, single submitter. Criteria: Invitae Variant Classification Sherloc (09022015). Collection method: clinical testing. Allele origin: germline.
Comment: This sequence change replaces proline, which is neutral and non-polar, with leucine, which is neutral and non-polar, at codon 191 of the SMAD2 protein (p.Pro191Leu). This variant is present in population databases (no rsID available, gnomAD 0.008%). This variant has not been reported in the literature in individuals affected with SMAD2-related conditions. ClinVar contains an entry for this variant (Variation ID: 1701341). Invitae Evidence Modeling of protein sequence and biophysical properties (such as structural, functional, and spatial information, amino acid conservation, physicochemical variation, residue mobility, and thermodynamic stability) indicates that this missense variant is not expected to disrupt SMAD2 protein function with a negative predictive value of 80%. In summary, the available evidence is currently insufficient to determine the role of this variant in disease. Therefore, it has been classified as a Variant of Uncertain Significance.

CeGaT Center for Human Genetics Tuebingen
Classification: Uncertain significance. Last evaluated: 2022-07-01. Review status: criteria provided, single submitter. Criteria: CeGaT Center For Human Genetics Tuebingen Variant Classification Criteria Version 2. Collection method: clinical testing. Allele origin: germline. Affected: yes. Observed: 1 variant allele.
Comment: SMAD2: PM2:Supporting, PP2, PP3, PP4

Ambry Genetics
Classification: Uncertain significance for Inborn genetic diseases. Last evaluated: 2021-08-02. Review status: criteria provided, single submitter. Criteria: Ambry Variant Classification Scheme 2023. Collection method: clinical testing. Allele origin: germline.